The following is an entry in ClinVar:

ClinVar aggregate classification (germline): Likely pathogenic (1 of 4 stars; one submission).

Submission:

GeneDx
Classification: Likely pathogenic. Last evaluated: 2018-04-24. Review status: criteria provided, single submitter. Criteria: GeneDx Variant Classification (06012015). Collection method: clinical testing. Allele origin: germline. Affected: yes.
Comment: The W372X variant in the SHH gene has not been reported previously as a pathogenic variant nor as a benign variant to our knowledge. This variant is predicted to cause loss of normal protein function through protein truncation, as the last 91 amino acids of the SHH protein are lost. The W372X variant is not observed in large population cohorts (Lek et al., 2016). We interpret W372X as a likely pathogenic variant.

NM_000193.4(SHH):c.1116G>A (p.Trp372Ter)

Gene: SHH (sonic hedgehog signaling molecule; minus strand). Cytogenetic location: 7q36.3.
Variant type: single nucleotide variant.
Coding change: c.1116G>A on transcript NM_000193.4 (MANE Select); coding-DNA position 1116, G replaced by A.
Protein change: p.Trp372Ter; replaces tryptophan 372 with a stop codon.
Molecular consequence: nonsense. On other transcripts: intron variant (1).
Genome position (GRCh38, 1-based): chr7:155,803,173, C>T on the plus strand (G>A on the coding strand, the complement: SHH is on the minus strand). VCF-style: chr7-155803173-C-T. GRCh37 (hg19) VCF-style: chr7-155595867-C-T.
Other names: c.302-2928G>A (NM_001310462.2); short protein forms W372*.
Identifiers: ClinVar variation 523887 (VCV000523887.2), dbSNP rs1554493722, ClinGen allele CA370145045.